The following is an entry in ClinVar:

ClinVar aggregate classification (germline): Uncertain significance. Review status: criteria provided, multiple submitters, no conflicts (2 of 4 stars). 2 submissions from 2 submitters: Uncertain significance (2). Last evaluated 2026-07-07.

Conditions:
Oligodontia-cancer predisposition syndrome. Also called: TOOTH AGENESIS-COLORECTAL CANCER SYNDROME. Identifiers: Orphanet 300576, MedGen C1837750, MONDO:0012075, OMIM 608615. Disease mechanism: loss of function.
Hereditary cancer-predisposing syndrome. Also called: Tumor predisposition; Hereditary neoplastic syndrome; Hereditary Cancer Syndrome; Neoplastic Syndromes, Hereditary. Identifiers: Orphanet 140162, MedGen C0027672, MeSH D009386, MONDO:0015356.

Submissions (2):

Ambry Genetics
Classification: Uncertain significance for Hereditary cancer-predisposing syndrome. Last evaluated: 2026-07-07. Review status: criteria provided, single submitter. Criteria: Ambry Variant Classification Scheme 2023. Collection method: clinical testing. Allele origin: germline.
Comment: The p.G597E variant (also known as c.1790G>A), located in coding exon 6 of the AXIN2 gene, results from a G to A substitution at nucleotide position 1790. The glycine at codon 597 is replaced by glutamic acid, an amino acid with similar properties. This amino acid position is conserved. In addition, this alteration is predicted to be tolerated by in silico analysis. Based on the available evidence, the clinical significance of this variant remains unclear.

Labcorp Genetics (formerly Invitae), Labcorp
Classification: Uncertain significance for Oligodontia-cancer predisposition syndrome. Last evaluated: 2024-05-23. Review status: criteria provided, single submitter. Criteria: Invitae Variant Classification Sherloc (09022015). Collection method: clinical testing. Allele origin: germline.
Comment: This sequence change replaces glycine, which is neutral and non-polar, with glutamic acid, which is acidic and polar, at codon 597 of the AXIN2 protein (p.Gly597Glu). This variant is not present in population databases (gnomAD no frequency). This variant has not been reported in the literature in individuals affected with AXIN2-related conditions. An algorithm developed to predict the effect of missense changes on protein structure and function (PolyPhen-2) suggests that this variant is likely to be disruptive. In summary, the available evidence is currently insufficient to determine the role of this variant in disease. Therefore, it has been classified as a Variant of Uncertain Significance.

NM_004655.4(AXIN2):c.1790G>A (p.Gly597Glu)

Gene: AXIN2 (axin 2; minus strand). Cytogenetic location: 17q24.1.
Variant type: single nucleotide variant.
Coding change: c.1790G>A on transcript NM_004655.4 (MANE Select); coding-DNA position 1790, G replaced by A.
Protein change: p.Gly597Glu; replaces glycine 597 with glutamic acid.
Molecular consequence: missense variant. On other transcripts: intron variant (1).
Genome position (GRCh38, 1-based): chr17:65,536,986, C>T on the plus strand (G>A on the coding strand, the complement: AXIN2 is on the minus strand). VCF-style: chr17-65536986-C-T. GRCh37 (hg19) VCF-style: chr17-63533104-C-T.
Other names: c.1712+338G>A (NM_001363813.1); short protein forms G597E.
Identifiers: ClinVar variation 3643361 (VCV003643361.3).
Genomic context (GRCh38, chr17:65,536,986, plus strand): 5'-TGCGACCTGTCTCCTTCCTCCCGGGGAAGCTGCAGGGCCCCAGCTCCGCCGGGGGCCCCT[C>T]CTTCCCTGGCGGGCAGGGCCAGGCCCGGCTCCGTGCCTTTCCCATTGCGTTTGGGCAAGG-3'
Protein context (NP_004646.3, residues 587-607): EPGLALPARE[Gly597Glu]GAPGGAGALQ